The following is an entry in ClinVar:

ClinVar aggregate classification (germline): Uncertain significance. Review status: criteria provided, single submitter (1 of 4 stars). 2 submissions from 2 submitters: Uncertain significance (1). 1 of the submissions does not count toward it. Last evaluated 2021-08-31.

Conditions:
Meckel-Gruber syndrome. Also called: Dysencephalia splachnocystica; DYSENCEPHALIA SPLANCHNOCYSTICA; GRUBER SYNDROME. Identifiers: Orphanet 564, MedGen C0265215, MONDO:0018921.
Joubert syndrome. Also called: Familial aplasia of the vermis; CEREBELLOPARENCHYMAL DISORDER IV; JOUBERT-BOLTSHAUSER SYNDROME. Identifiers: Orphanet 475, MedGen C5979921, MONDO:0018772.

Allele frequency attached by ClinVar (database versions not stated): gnomAD exomes below 0.00001 and 0.00001; ExAC 0.00001.

Submissions (2):

Labcorp Genetics (formerly Invitae), Labcorp
Classification: Uncertain significance for Joubert syndrome; Meckel-Gruber syndrome. Last evaluated: 2021-08-31. Review status: criteria provided, single submitter. Criteria: Invitae Variant Classification Sherloc (09022015). Collection method: clinical testing. Allele origin: germline.
Comment: This sequence change replaces isoleucine with methionine at codon 710 of the RPGRIP1L protein (p.Ile710Met). The isoleucine residue is highly conserved and there is a small physicochemical difference between isoleucine and methionine. This variant is present in population databases (rs748143379, ExAC 0.006%). This variant has not been reported in the literature in individuals affected with RPGRIP1L-related conditions. Algorithms developed to predict the effect of missense changes on protein structure and function are either unavailable or do not agree on the potential impact of this missense change (SIFT: "Deleterious"; PolyPhen-2: "Possibly Damaging"; Align-GVGD: "Class C0"). In summary, the available evidence is currently insufficient to determine the role of this variant in disease. Therefore, it has been classified as a Variant of Uncertain Significance.

Natera, Inc.
Classification: Uncertain significance for Joubert syndrome. Last evaluated: 2021-04-22. Review status: no assertion criteria provided. Collection method: clinical testing. Allele origin: germline. Not counted in ClinVar's aggregate classification.

NM_015272.5(RPGRIP1L):c.2130A>G (p.Ile710Met)

Gene: RPGRIP1L (RPGRIP1 like; minus strand). Cytogenetic location: 16q12.2.
Variant type: single nucleotide variant.
Coding change: c.2130A>G on transcript NM_015272.5 (MANE Select); coding-DNA position 2130, A replaced by G.
Protein change: p.Ile710Met; replaces isoleucine 710 with methionine.
Molecular consequence: missense variant.
Genome position (GRCh38, 1-based): chr16:53,652,557, T>C on the plus strand (A>G on the coding strand, the complement: RPGRIP1L is on the minus strand). VCF-style: chr16-53652557-T-C. GRCh37 (hg19) VCF-style: chr16-53686469-T-C.
Other names: c.2130A>G, p.Ile710Met (NM_001127897.4, NM_001308334.3, NM_001330538.2); short protein forms I710M.
Identifiers: ClinVar variation 965745 (VCV000965745.8), dbSNP rs748143379, ClinGen allele CA8057632.